The following is an entry in ClinVar:

ClinVar aggregate classification (germline): Pathogenic (1 of 4 stars; one submission).

Conditions:
Ataxia-telangiectasia syndrome (AT). Also called: ATAXIA-TELANGIECTASIA, FRESNO VARIANT; Ataxia-telangiectasia, complementation group E; Ataxia telangiectasia (A-T); Cerebello-oculocutaneous telangiectasia; Immunodeficiency with ataxia telangiectasia; LOUIS-BAR SYNDROME. Identifiers: Orphanet 100, MedGen C0004135, MONDO:0008840, OMIM 208900.

Submission:

Labcorp Genetics (formerly Invitae), Labcorp
Classification: Pathogenic for Ataxia-telangiectasia syndrome. Last evaluated: 2019-09-01. Review status: criteria provided, single submitter. Criteria: Invitae Variant Classification Sherloc (09022015). Collection method: clinical testing. Allele origin: germline.
Comment: This variant is a gross deletion of the genomic region encompassing exons 62-63 of the ATM gene. The 5' boundary is likely confined to intron 61. The 3' end of this event is unknown as it extends through the termination codon beyond the assayed region for this gene and may encompass additional genes. While this is not anticipated to result in nonsense mediated decay, it is expected to delete the last 106 amino acids of the ATM protein. Deletions encompassing exons 62-63 of ATM have been reported in several individuals with ataxia-telangiectasia, some of whom were homozygous for this variant (PMID: 9443866, 9792409,25614872). In addition, this variant has been observed in individuals with breast cancer (PMID: 25428789, 26681312). This variant is also known as a deletion of exons 64-65 in the literature. A missense change in exon 63 (p.Arg3008Cys) and a deletion encompassing exon 63 have been determined to be pathogenic (PMID: 9872980, 12552566, 23807571). This suggests that exon 63 is critical for ATM protein function. For these reasons, this deletion has been classified as Pathogenic.

Literature cited by the submitters: PubMed 12552566; PubMed 9443866; PubMed 25614872; PubMed 26681312; PubMed 23807571; PubMed 9872980; PubMed 25428789; PubMed 9792409.

NC_000011.10:g.(?_108364109)_(108365518_?)del

Genes: ATM (ATM serine/threonine kinase; plus strand), C11orf65 (chromosome 11 open reading frame 65; minus strand). Cytogenetic location: 11q22.3.
Variant type: Deletion.
Identifiers: ClinVar variation 647465 (VCV000647465.2).